The following is an entry in ClinVar:

ClinVar aggregate classification (germline): Uncertain significance (1 of 4 stars; one submission).

Submission:

Labcorp Genetics (formerly Invitae), Labcorp
Classification: Uncertain significance. Last evaluated: 2021-08-13. Review status: criteria provided, single submitter. Criteria: Invitae Variant Classification Sherloc (09022015). Collection method: clinical testing. Allele origin: germline.
Comment: This sequence change replaces threonine with isoleucine at codon 208 of the RORB protein (p.Thr208Ile). The threonine residue is moderately conserved and there is a moderate physicochemical difference between threonine and isoleucine. This variant is not present in population databases (ExAC no frequency). This variant has not been reported in the literature in individuals affected with RORB-related conditions. Algorithms developed to predict the effect of missense changes on protein structure and function are either unavailable or do not agree on the potential impact of this missense change (SIFT: "Deleterious"; PolyPhen-2: "Benign"; Align-GVGD: "Class C0"). In summary, the available evidence is currently insufficient to determine the role of this variant in disease. Therefore, it has been classified as a Variant of Uncertain Significance.

NM_006914.4(RORB):c.623C>T (p.Thr208Ile)

Gene: RORB (RAR related orphan receptor B; plus strand). Cytogenetic location: 9q21.13.
Variant type: single nucleotide variant.
Coding change: c.623C>T on transcript NM_006914.4 (MANE Select); coding-DNA position 623, C replaced by T.
Protein change: p.Thr208Ile; replaces threonine 208 with isoleucine.
Molecular consequence: missense variant.
Genome position (GRCh38, 1-based): chr9:74,642,801, C>T. VCF-style: chr9-74642801-C-T. GRCh37 (hg19) VCF-style: chr9-77257717-C-T.
Other names: c.656C>T, p.Thr219Ile (NM_001365023.1); short protein forms T219I, T208I.
Identifiers: ClinVar variation 1497697 (VCV001497697.6), dbSNP rs1156470722, ClinGen allele CA373770267.